The following is an entry in ClinVar:

ClinVar aggregate classification (germline): Uncertain significance (1 of 4 stars; one submission).

Submission:

Labcorp Genetics (formerly Invitae), Labcorp
Classification: Uncertain significance. Last evaluated: 2022-02-10. Review status: criteria provided, single submitter. Criteria: Invitae Variant Classification Sherloc (09022015). Collection method: clinical testing. Allele origin: germline.
Comment: This variant is not present in population databases (gnomAD no frequency). This variant has not been reported in the literature in individuals affected with RASGRP1-related conditions. Algorithms developed to predict the effect of missense changes on protein structure and function are either unavailable or do not agree on the potential impact of this missense change (SIFT: "Tolerated"; PolyPhen-2: "Possibly Damaging"; Align-GVGD: "Class C0"). In summary, the available evidence is currently insufficient to determine the role of this variant in disease. Therefore, it has been classified as a Variant of Uncertain Significance. This sequence change replaces phenylalanine, which is neutral and non-polar, with tyrosine, which is neutral and polar, at codon 589 of the RASGRP1 protein (p.Phe589Tyr).

NM_005739.4(RASGRP1):c.1766T>A (p.Phe589Tyr)

Gene: RASGRP1 (RAS guanyl releasing protein 1; minus strand). Cytogenetic location: 15q14.
Variant type: single nucleotide variant.
Coding change: c.1766T>A on transcript NM_005739.4 (MANE Select); coding-DNA position 1766, T replaced by A.
Protein change: p.Phe589Tyr; replaces phenylalanine 589 with tyrosine.
Molecular consequence: missense variant.
Genome position (GRCh38, 1-based): chr15:38,498,901, A>T on the plus strand (T>A on the coding strand, the complement: RASGRP1 is on the minus strand). VCF-style: chr15-38498901-A-T. GRCh37 (hg19) VCF-style: chr15-38791102-A-T.
Other names: c.1661T>A, p.Phe554Tyr (NM_001128602.2, NM_001306086.2); short protein forms F589Y, F554Y.
Identifiers: ClinVar variation 1512351 (VCV001512351.6), dbSNP rs1450235680, ClinGen allele CA391662847.
Genomic context (GRCh38, chr15:38,498,901, plus strand): 5'-CCCACAGAAGTGTTGTTCTCTGTGGGAGCTACTGGGTTCTTGGCTCGCTTCTTACACTCA[A>T]ACACAACCAGATCTTTGCATTGTTTGTGACAGTTCATCCCGCAGTCTGTGGACAAGACAT-3'
Protein context (NP_005730.2, residues 579-599): CHKQCKDLVV[Phe589Tyr]ECKKRAKNPV